The following is an entry in ClinVar:

ClinVar aggregate classification (germline): Benign (0 of 4 stars; one submission).

Conditions:
MDN1-related disorder. Also called: MDN1-related condition.

Allele frequency attached by ClinVar (database versions not stated): 1000 Genomes Project 30x 0.08666; 1000 Genomes Project 0.08886; TOPMed 0.09306; gnomAD 0.09867; ESP Exome Variant Server 0.10487.

Submission:

PreventionGenetics, part of Exact Sciences
Classification: Benign for MDN1-related condition. Last evaluated: 2019-10-23. Review status: no assertion criteria provided. Collection method: clinical testing. Allele origin: germline.
Comment: This variant is classified as benign based on ACMG/AMP sequence variant interpretation guidelines (Richards et al. 2015 PMID: 25741868, with internal and published modifications).

NM_014611.3(MDN1):c.14349T>G (p.Asp4783Glu)

Genes: MDN1 (midasin AAA ATPase 1; minus strand), MDN1-AS1 (MDN1 antisense RNA 1; plus strand). Cytogenetic location: 6q15.
Variant type: single nucleotide variant.
Coding change: c.14349T>G on transcript NM_014611.3 (MANE Select); coding-DNA position 14349, T replaced by G.
Protein change: p.Asp4783Glu; replaces aspartic acid 4783 with glutamic acid.
Molecular consequence: missense variant.
Genome position (GRCh38, 1-based): chr6:89,662,855, A>C on the plus strand (T>G on the coding strand, the complement: MDN1 is on the minus strand). VCF-style: chr6-89662855-A-C. GRCh37 (hg19) VCF-style: chr6-90372574-A-C.
Other names: short protein forms D4783E.
Identifiers: ClinVar variation 3060847 (VCV003060847.2), dbSNP rs36040566, ClinGen allele CA3922562.